The following is an entry in ClinVar:

NM_003098.3(SNTA1):c.1015C>T (p.Arg339Cys)

Gene: SNTA1 (syntrophin alpha 1; minus strand). Cytogenetic location: 20q11.21.
Variant type: single nucleotide variant.
Coding change: c.1015C>T on transcript NM_003098.3 (MANE Select); coding-DNA position 1015, C replaced by T.
Protein change: p.Arg339Cys; replaces arginine 339 with cysteine.
Molecular consequence: missense variant.
Genome position (GRCh38, 1-based): chr20:33,412,321, G>A on the plus strand (C>T on the coding strand, the complement: SNTA1 is on the minus strand). VCF-style: chr20-33412321-G-A. GRCh37 (hg19) VCF-style: chr20-32000127-G-A.
Other names: short protein forms R339C.
Identifiers: ClinVar variation 392800 (VCV000392800.18), dbSNP rs138164106, ClinGen allele CA9817079.

ClinVar aggregate classification (germline): Uncertain significance. Review status: criteria provided, multiple submitters, no conflicts (2 of 4 stars). 5 submissions from 5 submitters: Uncertain significance (5). Last evaluated 2025-09-23.

Conditions:
Long QT syndrome 12 (LQT12). Identifiers: Orphanet 101016, Orphanet 768, MedGen C2751830, MONDO:0013062, OMIM 612955.
Long QT syndrome (LQTS). Identifiers: MedGen C0023976, MeSH D008133, MONDO:0002442. Disease mechanism: loss of function. Inheritance: Various modes of inheritance.
Cardiovascular phenotype. Identifiers: MedGen CN230736.

Allele frequency attached by ClinVar (database versions not stated): gnomAD exomes 0.00004; ExAC 0.00005; gnomAD 0.00005 and 0.00006; ESP Exome Variant Server 0.00008; TOPMed 0.00011.
gnomAD v4.1: 35 of 1,612,076 alleles (0.0022%); highest among the groups gnomAD compares: Admixed American, 0.012%; no homozygotes.

Submissions (5):

Labcorp Genetics (formerly Invitae), Labcorp
Classification: Uncertain significance for Long QT syndrome. Last evaluated: 2025-09-23. Review status: criteria provided, single submitter. Criteria: Invitae Variant Classification Sherloc (09022015). Collection method: clinical testing. Allele origin: germline.
Comment: This sequence change replaces arginine, which is basic and polar, with cysteine, which is neutral and slightly polar, at codon 339 of the SNTA1 protein (p.Arg339Cys). This variant is present in population databases (rs138164106, gnomAD 0.02%). This variant has not been reported in the literature in individuals affected with SNTA1-related conditions. ClinVar contains an entry for this variant (Variation ID: 392800). Invitae Evidence Modeling of protein sequence and biophysical properties (such as structural, functional, and spatial information, amino acid conservation, physicochemical variation, residue mobility, and thermodynamic stability) indicates that this missense variant is not expected to disrupt SNTA1 protein function with a negative predictive value of 80%. In summary, the available evidence is currently insufficient to determine the role of this variant in disease. Therefore, it has been classified as a Variant of Uncertain Significance.

Dept of Medical Biology, Uskudar University
Classification: Uncertain significance for Long QT syndrome. Last evaluated: 2024-01-08. Review status: criteria provided, single submitter. Criteria: Dept of Medical Biology Variant Classification. Collection method: research. Allele origin: maternal. Affected: yes. Observed: 1 variant allele.
Comment: Criteria: PM2

Fulgent Genetics
Classification: Uncertain significance for Long QT syndrome 12. Last evaluated: 2022-02-24. Review status: criteria provided, single submitter. Criteria: ACMG Guidelines, 2015. Collection method: clinical testing. Allele origin: unknown.

GeneDx
Classification: Uncertain significance. Last evaluated: 2021-06-30. Review status: criteria provided, single submitter. Criteria: GeneDx Variant Classification Process June 2021. Collection method: clinical testing. Allele origin: germline. Affected: yes.
Comment: Has not been previously published as pathogenic or benign to our knowledge; In silico analysis supports that this missense variant has a deleterious effect on protein structure/function; Reported in ClinVar but additional evidence is not available (ClinVar Variant ID#392800; Landrum et al., 2016); This variant is associated with the following publications: (PMID: 26582918, 27535533)

Ambry Genetics
Classification: Uncertain significance for Cardiovascular phenotype. Last evaluated: 2019-07-18. Review status: criteria provided, single submitter. Criteria: Ambry Variant Classification Scheme 2023. Collection method: clinical testing. Allele origin: germline.
Comment: The p.R339C variant (also known as c.1015C>T), located in coding exon 5 of the SNTA1 gene, results from a C to T substitution at nucleotide position 1015. The arginine at codon 339 is replaced by cysteine, an amino acid with highly dissimilar properties. This amino acid position is not well conserved in available vertebrate species. In addition, this alteration is predicted to be tolerated by in silico analysis. Since supporting evidence is limited at this time, the clinical significance of this alteration remains unclear.